The following is an entry in ClinVar:

NM_001130144.3(LTBP3):c.2847C>G (p.Gly949=)

Genes: LTBP3 (latent transforming growth factor beta binding protein 3; minus strand), LOC130006028 (ATAC-STARR-seq lymphoblastoid active region 4987; plus strand). Cytogenetic location: 11q13.1.
Variant type: single nucleotide variant.
Coding change: c.2847C>G on transcript NM_001130144.3 (MANE Select); coding-DNA position 2847, C replaced by G.
Protein change: p.Gly949=; no amino-acid change (glycine 949 retained).
Molecular consequence: synonymous variant.
Genome position (GRCh38, 1-based): chr11:65,541,172, G>C on the plus strand (C>G on the coding strand, the complement: LTBP3 is on the minus strand). VCF-style: chr11-65541172-G-C. GRCh37 (hg19) VCF-style: chr11-65308643-G-C.
Other names: c.2496C>G, p.Gly832= (NM_001164266.1); c.2847C>G, p.Gly949= (NM_021070.4).
Identifiers: ClinVar variation 2619288 (VCV002619288.5), dbSNP rs1300428632, ClinGen allele CA475180454.
Genomic context (GRCh38, chr11:65,541,172, plus strand): 5'-GCCCGGCTCCTGACCTGAGCTGTAGACTGGGCAGGGGTAGATTTCGCAGTGGTCGCCCCA[G>C]CCGGCCCCCAGAGAGCAGCAGCACTCCTGCTGGGTCACGTTGGTGGCCAATACGCTGTCG-3'
Protein context (NP_001123616.1, residues 939-959): QQECCCSLGA[Gly949=]WGDHCEIYPC

ClinVar aggregate classification (germline): Likely benign. Review status: criteria provided, multiple submitters, no conflicts (2 of 4 stars). 3 submissions from 3 submitters: Likely benign (3). Last evaluated 2025-07-11.

Conditions:
LTBP3-related disorder. Also called: LTBP3-related condition.
Brachyolmia-amelogenesis imperfecta syndrome. Also called: PLATYSPONDYLY WITH AMELOGENESIS IMPERFECTA; Tooth agenesis, selective, 6; Dental anomalies and short stature. Identifiers: Orphanet 2899, MedGen C1832594, MONDO:0011018, OMIM 601216. Disease mechanism: loss of function.
Inborn genetic diseases. Identifiers: MedGen C0950123, MeSH D030342.

Allele frequency attached by ClinVar (database versions not stated): gnomAD 0.00001; TOPMed 0.00001.

Submissions (3):

PreventionGenetics, part of Exact Sciences
Classification: Likely benign for LTBP3-related condition. Last evaluated: 2025-07-11. Review status: criteria provided, single submitter. Criteria: ACMG Guidelines, 2015. Collection method: clinical testing. Allele origin: germline.
Comment: This variant is classified as likely benign based on ACMG/AMP sequence variant interpretation guidelines (Richards et al. 2015 PMID: 25741868, with internal and published modifications).

Labcorp Genetics (formerly Invitae), Labcorp
Classification: Likely benign for Brachyolmia-amelogenesis imperfecta syndrome. Last evaluated: 2025-04-14. Review status: criteria provided, single submitter. Criteria: Invitae Variant Classification Sherloc (09022015). Collection method: clinical testing. Allele origin: germline.

Ambry Genetics
Classification: Likely benign for Inborn genetic diseases. Last evaluated: 2023-07-12. Review status: criteria provided, single submitter. Criteria: Ambry Variant Classification Scheme 2023. Collection method: clinical testing. Allele origin: germline.